The following is an entry in ClinVar:

NM_005529.7(HSPG2):c.5997+5G>C

Gene: HSPG2 (heparan sulfate proteoglycan 2; minus strand). Cytogenetic location: 1p36.12.
Variant type: single nucleotide variant.
Coding change: c.5997+5G>C on transcript NM_005529.7 (MANE Select); 5 bases into the intron after coding-DNA position 5997, G replaced by C.
Molecular consequence: intron variant.
Genome position (GRCh38, 1-based): chr1:21,855,299, C>G on the plus strand (G>C on the coding strand, the complement: HSPG2 is on the minus strand). VCF-style: chr1-21855299-C-G. GRCh37 (hg19) VCF-style: chr1-22181792-C-G.
Other names: c.6000+5G>C (NM_001291860.2).
Identifiers: ClinVar variation 295821 (VCV000295821.29), dbSNP rs59720663, ClinGen allele CA671728.
Genomic context (GRCh38, chr1:21,855,299, plus strand): 5'-AAGGTGGCTGGGACTCTCTGCAGAGCCTGTGGGCCTCCTCCTCCTGGGTGGGCCCATCTC[C>G]TCACCTGTGGTGGGAGGCTGCCCCCTTCCTTCCTCCAGGTGATGGTGGCGCTAGGCACGC-3'

ClinVar aggregate classification (germline): Benign/Likely benign. Review status: criteria provided, multiple submitters, no conflicts (2 of 4 stars). 7 submissions from 6 submitters: Benign (6); Likely benign (1). Last evaluated 2026-02-01.

Conditions:
HSPG2-related disorder. Also called: HSPG2-related condition; HSPG2-related disorders.
Schwartz-Jampel syndrome. Also called: Myotonic myopathy dwarfism chondrodystrophy and ocular and facial abnormalities. Identifiers: Orphanet 800, MedGen C0036391, MONDO:0009717.
Lethal Kniest-like syndrome (DDSH). Also called: Dyssegmental Dysplasia. Identifiers: Orphanet 1865, MedGen C1857100, MONDO:0009140, OMIM 224410.

Allele frequency attached by ClinVar (database versions not stated): ExAC 0.00489; ESP Exome Variant Server 0.01069; gnomAD 0.01104 and 0.01179; TOPMed 0.01205; 1000 Genomes Project 0.01338; 1000 Genomes Project 30x 0.01483.
gnomAD v4.1: 3,157 of 1,601,332 alleles (0.2%); highest among the groups gnomAD compares: African/African-American, 3.7%; 51 homozygotes.

Submissions (12):

Labcorp Genetics (formerly Invitae), Labcorp
Classification: Benign. Last evaluated: 2026-02-01. Review status: criteria provided, single submitter. Criteria: Invitae Variant Classification Sherloc (09022015). Collection method: clinical testing. Allele origin: germline.

PreventionGenetics, part of Exact Sciences
Classification: Benign for HSPG2-related condition. Last evaluated: 2024-11-05. Review status: criteria provided, single submitter. Criteria: ACMG Guidelines, 2015. Collection method: clinical testing. Allele origin: germline.
Comment: This variant is classified as benign based on ACMG/AMP sequence variant interpretation guidelines (Richards et al. 2015 PMID: 25741868, with internal and published modifications).

ARUP Laboratories, Molecular Genetics and Genomics, ARUP Laboratories
Classification: Benign. Last evaluated: 2023-06-15. Review status: criteria provided, single submitter. Criteria: ARUP Molecular Germline Variant Investigation Process 2024. Collection method: clinical testing. Allele origin: germline.

Athena Diagnostics
Classification: Benign. Last evaluated: 2020-04-09. Review status: criteria provided, single submitter. Criteria: Athena Diagnostics Criteria. Collection method: clinical testing. Allele origin: unknown.

GeneDx
Classification: Likely benign. Last evaluated: 2020-02-07. Review status: criteria provided, single submitter. Criteria: GeneDx Variant Classification Process June 2021. Collection method: clinical testing. Allele origin: germline. Affected: yes.

Illumina Laboratory Services, Illumina
Classification: Benign for Schwartz-Jampel syndrome type 1. Last evaluated: 2018-01-13. Review status: criteria provided, single submitter. Criteria: ICSL Variant Classification Criteria 13 December 2019. Collection method: clinical testing. Allele origin: germline.
Comment: This variant was observed in the ICSL laboratory as part of a predisposition screen in an ostensibly healthy population. It had not been previously curated by ICSL or reported in the Human Gene Mutation Database (HGMD: prior to June 1st, 2018), and was therefore a candidate for classification through an automated scoring system. Utilizing variant allele frequency, disease prevalence and penetrance estimates, and inheritance mode, an automated score was calculated to assess if this variant is too frequent to cause the disease. Based on the score and internal cut-off values, a variant classified as benign is not then subjected to further curation. The score for this variant resulted in a classification of benign for this disease.

Illumina Laboratory Services, Illumina
Classification: Benign for Lethal Kniest-like syndrome. Last evaluated: 2018-01-13. Review status: criteria provided, single submitter. Criteria: ICSL Variant Classification Criteria 13 December 2019. Collection method: clinical testing. Allele origin: germline.
Comment: the same text as in the submission from Illumina Laboratory Services, Illumina above.

Dr. Peter K. Rogan Lab, Western University
No classification provided (evidence only). Condition: Lung cancer. Review status: no classification provided. Collection method: in vitro. Allele origin: not applicable. Functional consequence: retained intron. Not counted in ClinVar's aggregate classification.

Dr. Peter K. Rogan Lab, Western University
No classification provided (evidence only). Condition: Acute myeloid leukemia. Review status: no classification provided. Collection method: in vitro. Allele origin: not applicable. Functional consequence: retained intron. Not counted in ClinVar's aggregate classification.

Dr. Peter K. Rogan Lab, Western University
No classification provided (evidence only). Condition: Uterine corpus endometrial carcinoma. Review status: no classification provided. Collection method: in vitro. Allele origin: not applicable. Functional consequence: retained intron. Not counted in ClinVar's aggregate classification.

Dr. Peter K. Rogan Lab, Western University
No classification provided (evidence only). Condition: Ovarian serous cystadenocarcinoma. Review status: no classification provided. Collection method: in vitro. Allele origin: not applicable. Functional consequence: retained intron. Not counted in ClinVar's aggregate classification.

Dr. Peter K. Rogan Lab, Western University
No classification provided (evidence only). Condition: Malignant tumor of esophagus. Review status: no classification provided. Collection method: in vitro. Allele origin: not applicable. Functional consequence: retained intron. Not counted in ClinVar's aggregate classification.